The following is an entry in ClinVar:

NM_003072.5(SMARCA4):c.1005G>T (p.Gln335His)

Gene: SMARCA4 (SWI/SNF related BAF chromatin remodeling complex subunit ATPase 4; plus strand). Cytogenetic location: 19p13.2.
Variant type: single nucleotide variant.
Coding change: c.1005G>T on transcript NM_003072.5 (MANE Select); coding-DNA position 1005, G replaced by T.
Protein change: p.Gln335His; replaces glutamine 335 with histidine.
Molecular consequence: missense variant. On other transcripts: non-coding transcript variant (1).
Genome position (GRCh38, 1-based): chr19:10,987,811, G>T. VCF-style: chr19-10987811-G-T. GRCh37 (hg19) VCF-style: chr19-11098487-G-T.
Other names: c.1005G>T, p.Gln335His (NM_001128844.3, NM_001128845.2, NM_001128846.2 and 5 more transcripts); short protein forms Q335H.
Identifiers: ClinVar variation 480691 (VCV000480691.7), dbSNP rs1555755108, ClinGen allele CA404058620.
Genomic context (GRCh38, chr19:10,987,811, plus strand): 5'-CCCTGCCGTCCCACCCGCCGCCTCGCCCGTGATGCCACCGCAGACCCAGTCCCCCGGGCA[G>T]CCGGCCCAGCCCGCGCCCATGGTGCCACTGCACCAGAAGCAGAGCCGCATCACCCCCATC-3'
Protein context (NP_003063.2, residues 325-345): VMPPQTQSPG[Gln335His]PAQPAPMVPL

ClinVar aggregate classification (germline): Uncertain significance. Review status: criteria provided, multiple submitters, no conflicts (2 of 4 stars). 2 submissions from 2 submitters: Uncertain significance (2). Last evaluated 2024-05-09.

Conditions:
Hereditary cancer-predisposing syndrome. Also called: Hereditary Cancer Syndrome; Neoplastic Syndromes, Hereditary; Tumor predisposition; Hereditary neoplastic syndrome. Identifiers: Orphanet 140162, MedGen C0027672, MeSH D009386, MONDO:0015356.
Rhabdoid tumor predisposition syndrome 2 (RTPS2). Identifiers: Orphanet 231108, Orphanet 69077, MedGen C2750074, MONDO:0013224, OMIM 613325.

Submissions (2):

Labcorp Genetics (formerly Invitae), Labcorp
Classification: Uncertain significance for Rhabdoid tumor predisposition syndrome 2. Last evaluated: 2024-05-09. Review status: criteria provided, single submitter. Criteria: Invitae Variant Classification Sherloc (09022015). Collection method: clinical testing. Allele origin: germline.
Comment: This sequence change replaces glutamine, which is neutral and polar, with histidine, which is basic and polar, at codon 335 of the SMARCA4 protein (p.Gln335His). This variant is not present in population databases (gnomAD no frequency). This variant has not been reported in the literature in individuals affected with SMARCA4-related conditions. ClinVar contains an entry for this variant (Variation ID: 480691). Advanced modeling of protein sequence and biophysical properties (such as structural, functional, and spatial information, amino acid conservation, physicochemical variation, residue mobility, and thermodynamic stability) has been performed at Invitae for this missense variant, however the output from this modeling did not meet the statistical confidence thresholds required to predict the impact of this variant on SMARCA4 protein function. In summary, the available evidence is currently insufficient to determine the role of this variant in disease. Therefore, it has been classified as a Variant of Uncertain Significance.

Ambry Genetics
Classification: Uncertain significance for Hereditary cancer-predisposing syndrome. Last evaluated: 2017-06-26. Review status: criteria provided, single submitter. Criteria: Ambry Variant Classification Scheme 2023. Collection method: clinical testing. Allele origin: germline.
Comment: The p.Q335H variant (also known as c.1005G>T), located in coding exon 5 of the SMARCA4 gene, results from a G to T substitution at nucleotide position 1005. The glutamine at codon 335 is replaced by histidine, an amino acid with highly similar properties. This amino acid position is highly conserved in available vertebrate species. In addition, the in silico prediction for this alteration is inconclusive. Since supporting evidence is limited at this time, the clinical significance of this alteration remains unclear.